The following is an entry in ClinVar:

ClinVar aggregate classification (germline): Uncertain significance. Review status: criteria provided, multiple submitters, no conflicts (2 of 4 stars). 3 submissions from 3 submitters: Uncertain significance (2). 1 of the submissions does not count toward it. Last evaluated 2025-09-15.

Conditions:
Cardiovascular phenotype. Identifiers: MedGen CN230736.
Alstrom syndrome (ALMS). Identifiers: Orphanet 64, MedGen C0268425, MONDO:0008763, OMIM 203800.

Allele frequency attached by ClinVar (database versions not stated): ExAC 0.00001; gnomAD exomes 0.00002.
gnomAD v4.1: 17 of 1,614,198 alleles (0.0011%); highest among the groups gnomAD compares: Non-Finnish European, 0.00025%; no homozygotes.

Submissions (3):

Ambry Genetics
Classification: Uncertain significance for Cardiovascular phenotype. Last evaluated: 2025-09-15. Review status: criteria provided, single submitter. Criteria: Ambry Variant Classification Scheme 2023. Collection method: clinical testing. Allele origin: germline.
Comment: The p.C4007R variant (also known as c.12019T>C), located in coding exon 19 of the ALMS1 gene, results from a T to C substitution at nucleotide position 12019. The cysteine at codon 4007 is replaced by arginine, an amino acid with highly dissimilar properties. This amino acid position is poorly conserved in available vertebrate species. In addition, this alteration is predicted to be tolerated by in silico analysis. Based on the available evidence, the clinical significance of this variant remains unclear.

Labcorp Genetics (formerly Invitae), Labcorp
Classification: Uncertain significance for Alstrom syndrome. Last evaluated: 2021-10-08. Review status: criteria provided, single submitter. Criteria: Invitae Variant Classification Sherloc (09022015). Collection method: clinical testing. Allele origin: germline.
Comment: This sequence change replaces cysteine with arginine at codon 4007 of the ALMS1 protein (p.Cys4007Arg). The cysteine residue is weakly conserved and there is a large physicochemical difference between cysteine and arginine. This variant is present in population databases (rs201959964, ExAC 0.001%). This variant has not been reported in the literature in individuals affected with ALMS1-related conditions. ClinVar contains an entry for this variant (Variation ID: 551559). Experimental studies and prediction algorithms are not available or were not evaluated, and the functional significance of this variant is currently unknown. In summary, the available evidence is currently insufficient to determine the role of this variant in disease. Therefore, it has been classified as a Variant of Uncertain Significance.

Counsyl
Classification: Uncertain significance for Alstrom syndrome. Last evaluated: 2017-05-01. Review status: no assertion criteria provided. Collection method: clinical testing. Allele origin: unknown. Not counted in ClinVar's aggregate classification.

NM_001378454.1(ALMS1):c.12016T>C (p.Cys4006Arg)

Genes: ALMS1 (ALMS1 centrosome and basal body associated protein; plus strand), LOC126806252 (BRD4-independent group 4 enhancer GRCh37_chr2:73828496-73829695; plus strand). Cytogenetic location: 2p13.1.
Variant type: single nucleotide variant.
Coding change: c.12016T>C on transcript NM_001378454.1 (MANE Select); coding-DNA position 12016, T replaced by C.
Protein change: p.Cys4006Arg; replaces cysteine 4006 with arginine.
Molecular consequence: missense variant.
Genome position (GRCh38, 1-based): chr2:73,601,338, T>C. VCF-style: chr2-73601338-T-C. GRCh37 (hg19) VCF-style: chr2-73828465-T-C.
Other names: c.12019T>C, p.Cys4007Arg (NM_015120.4); short protein forms C4007R, C4006R.
Identifiers: ClinVar variation 551559 (VCV000551559.5), dbSNP rs201959964, ClinGen allele CA1715403.